The following is an entry in ClinVar:

ClinVar aggregate classification (germline): Uncertain significance (1 of 4 stars; one submission).

Allele frequency attached by ClinVar (database versions not stated): gnomAD 0.00003.

Submission:

Labcorp Genetics (formerly Invitae), Labcorp
Classification: Uncertain significance. Last evaluated: 2023-11-13. Review status: criteria provided, single submitter. Criteria: Invitae Variant Classification Sherloc (09022015). Collection method: clinical testing. Allele origin: germline.
Comment: This sequence change replaces arginine, which is basic and polar, with glycine, which is neutral and non-polar, at codon 7 of the KIAA1549 protein (p.Arg7Gly). The frequency data for this variant in the population databases is considered unreliable, as metrics indicate insufficient coverage at this position in the gnomAD database. This variant has not been reported in the literature in individuals affected with KIAA1549-related conditions. ClinVar contains an entry for this variant (Variation ID: 1943009). An algorithm developed to predict the effect of missense changes on protein structure and function (PolyPhen-2) suggests that this variant¬†is likely to be tolerated. In summary, the available evidence is currently insufficient to determine the role of this variant in disease. Therefore, it has been classified as a Variant of Uncertain Significance.

NM_001164665.2(KIAA1549):c.19C>G (p.Arg7Gly)

Gene: KIAA1549 (KIAA1549; minus strand). Cytogenetic location: 7q34.
Variant type: single nucleotide variant.
Coding change: c.19C>G on transcript NM_001164665.2 (MANE Select); coding-DNA position 19, C replaced by G.
Protein change: p.Arg7Gly; replaces arginine 7 with glycine.
Molecular consequence: missense variant.
Genome position (GRCh38, 1-based): chr7:138,981,251, G>C on the plus strand (C>G on the coding strand, the complement: KIAA1549 is on the minus strand). VCF-style: chr7-138981251-G-C. GRCh37 (hg19) VCF-style: chr7-138665997-G-C.
Other names: c.19C>G, p.Arg7Gly (NM_020910.3); short protein forms R7G.
Identifiers: ClinVar variation 1943009 (VCV001943009.4), dbSNP rs904238288, ClinGen allele CA369382786.
Genomic context (GRCh38, chr7:138,981,251, plus strand): 5'-GCCCCGGGGCCAGCGCGACCCCGGCGCGGGGCTTCCCCTCCATGGCCGCGCCTCGGCGTC[G>C]GCGCCGCGCCCCCGGCATTCCCGGCCGGCGCCCCGGCCCGGCCTCGCGGCTCAGCGGCTC-3'
Protein context (NP_001158137.1, residues 1-17): MPGARR[Arg7Gly]RRGAAMEGKP